The following is an entry in ClinVar:

ClinVar aggregate classification (germline): Likely benign (0 of 4 stars; one submission).

Conditions:
PCNT-related disorder. Also called: PCNT-related condition.

Submission:

PreventionGenetics, part of Exact Sciences
Classification: Likely benign for PCNT-related condition. Last evaluated: 2023-06-20. Review status: no assertion criteria provided. Collection method: clinical testing. Allele origin: germline.
Comment: This variant is classified as likely benign based on ACMG/AMP sequence variant interpretation guidelines (Richards et al. 2015 PMID: 25741868, with internal and published modifications).

NM_006031.6(PCNT):c.7602G>A (p.Gln2534=)

Gene: PCNT (pericentrin; plus strand). Cytogenetic location: 21q22.3.
Variant type: single nucleotide variant.
Coding change: c.7602G>A on transcript NM_006031.6 (MANE Select); coding-DNA position 7602, G replaced by A.
Protein change: p.Gln2534=; no amino-acid change (glutamine 2534 retained).
Molecular consequence: synonymous variant.
Genome position (GRCh38, 1-based): chr21:46,428,502, G>A. VCF-style: chr21-46428502-G-A. GRCh37 (hg19) VCF-style: chr21-47848416-G-A.
Other names: c.7248G>A, p.Gln2416= (NM_001315529.2).
Identifiers: ClinVar variation 3356511 (VCV003356511.1).